The following is an entry in ClinVar:

NM_000038.6(APC):c.1964T>C (p.Ile655Thr)

Gene: APC (APC regulator of Wnt signaling pathway; plus strand). Cytogenetic location: 5q22.2.
Variant type: single nucleotide variant.
Coding change: c.1964T>C on transcript NM_000038.6 (MANE Select); coding-DNA position 1964, T replaced by C.
Protein change: p.Ile655Thr; replaces isoleucine 655 with threonine.
Molecular consequence: missense variant. On other transcripts: non-coding transcript variant (2).
Genome position (GRCh38, 1-based): chr5:112,837,558, T>C. VCF-style: chr5-112837558-T-C. GRCh37 (hg19) VCF-style: chr5-112173255-T-C.
Other names: c.1964T>C, p.Ile655Thr (NM_001127510.3, NM_001354895.2, NM_001407450.1); c.1910T>C, p.Ile637Thr (NM_001127511.3); c.2018T>C, p.Ile673Thr (NM_001354896.2, NM_001407447.1, NM_001407448.1 and 1 more transcripts); c.1994T>C, p.Ile665Thr (NM_001354897.2); c.1889T>C, p.Ile630Thr (NM_001354898.2); c.1880T>C, p.Ile627Thr (NM_001354899.2); c.1841T>C, p.Ile614Thr (NM_001354900.2); c.1787T>C, p.Ile596Thr (NM_001354901.2, NM_001407453.1); and 12 more; short protein forms I372T, I495T, I526T, I564T, I271T, I554T, I596T, I627T.
Identifiers: ClinVar variation 2774799 (VCV002774799.3), dbSNP rs2149857634, ClinGen allele CA16025612.

ClinVar aggregate classification (germline): Uncertain significance. Review status: criteria provided, multiple submitters, no conflicts (2 of 4 stars). 2 submissions from 2 submitters: Uncertain significance (2). Last evaluated 2024-10-13.

Conditions:
Hereditary cancer-predisposing syndrome. Also called: Neoplastic Syndromes, Hereditary; Tumor predisposition; Hereditary Cancer Syndrome; Hereditary neoplastic syndrome. Identifiers: Orphanet 140162, MedGen C0027672, MeSH D009386, MONDO:0015356.

Submissions (2):

Ambry Genetics
Classification: Uncertain significance for Hereditary cancer-predisposing syndrome. Last evaluated: 2024-10-13. Review status: criteria provided, single submitter. Criteria: Ambry Variant Classification Scheme 2023. Collection method: clinical testing. Allele origin: germline.
Comment: The p.I655T variant (also known as c.1964T>C), located in coding exon 15 of the APC gene, results from a T to C substitution at nucleotide position 1964. The isoleucine at codon 655 is replaced by threonine, an amino acid with similar properties. This amino acid position is conserved. In addition, in silico predictors for this gene do not accurately predict pathogenicity. Based on the available evidence, the clinical significance of this variant remains unclear.

Color Diagnostics, LLC DBA Color Health
Classification: Uncertain significance for Hereditary cancer-predisposing syndrome. Last evaluated: 2024-03-07. Review status: criteria provided, single submitter. Criteria: ACMG Guidelines, 2015. Collection method: clinical testing. Allele origin: germline.
Comment: This missense variant replaces isoleucine with threonine at codon 655 of the APC protein. Computational prediction is inconclusive regarding the impact of this variant on protein structure and function (internally defined REVEL score threshold 0.5 < inconclusive < 0.7, PMID: 27666373). To our knowledge, functional studies have not been reported for this variant. This variant has not been reported in individuals affected with APC-related disorders in the literature. This variant has not been identified in the general population by the Genome Aggregation Database (gnomAD). The available evidence is insufficient to determine the role of this variant in disease conclusively. Therefore, this variant is classified as a Variant of Uncertain Significance.